The following is an entry in ClinVar:

NM_000179.3(MSH6):c.1054G>C (p.Val352Leu)

Gene: MSH6 (mutS homolog 6; plus strand). Cytogenetic location: 2p16.3.
Variant type: single nucleotide variant.
Coding change: c.1054G>C on transcript NM_000179.3 (MANE Select); coding-DNA position 1054, G replaced by C.
Protein change: p.Val352Leu; replaces valine 352 with leucine.
Molecular consequence: missense variant.
Genome position (GRCh38, 1-based): chr2:47,799,037, G>C. VCF-style: chr2-47799037-G-C. GRCh37 (hg19) VCF-style: chr2-48026176-G-C.
Other names: c.664G>C, p.Val222Leu (NM_001281492.2); c.148G>C, p.Val50Leu (NM_001281493.2, NM_001281494.2); short protein forms V222L, V352L, V50L.
Identifiers: ClinVar variation 838044 (VCV000838044.11), dbSNP rs730881787, ClinGen allele CA346741558.

ClinVar aggregate classification (germline): Uncertain significance (1 of 4 stars; one submission).

Conditions:
Hereditary nonpolyposis colorectal neoplasms. Identifiers: MedGen C0009405, MeSH D003123.

Submission:

Labcorp Genetics (formerly Invitae), Labcorp
Classification: Uncertain significance for Hereditary nonpolyposis colorectal neoplasms. Last evaluated: 2019-12-24. Review status: criteria provided, single submitter. Criteria: Invitae Variant Classification Sherloc (09022015). Collection method: clinical testing. Allele origin: germline.
Comment: Algorithms developed to predict the effect of missense changes on protein structure and function (SIFT, PolyPhen-2, Align-GVGD) all suggest that this variant is likely to be tolerated, but these predictions have not been confirmed by published functional studies and their clinical significance is uncertain. In summary, the available evidence is currently insufficient to determine the role of this variant in disease. Therefore, it has been classified as a Variant of Uncertain Significance. This variant has not been reported in the literature in individuals with MSH6-related conditions. This variant is not present in population databases (ExAC no frequency). This sequence change replaces valine with leucine at codon 352 of the MSH6 protein (p.Val352Leu). The valine residue is weakly conserved and there is a small physicochemical difference between valine and leucine.